The following is an entry in ClinVar:

NM_001127178.3(PIGG):c.1902C>A (p.Asp634Glu)

Gene: PIGG (phosphatidylinositol glycan anchor biosynthesis class G (EMM blood group); plus strand). Cytogenetic location: 4p16.3.
Variant type: single nucleotide variant.
Coding change: c.1902C>A on transcript NM_001127178.3 (MANE Select); coding-DNA position 1902, C replaced by A.
Protein change: p.Asp634Glu; replaces aspartic acid 634 with glutamic acid.
Molecular consequence: missense variant. On other transcripts: non-coding transcript variant (6).
Genome position (GRCh38, 1-based): chr4:523,746, C>A. VCF-style: chr4-523746-C-A. GRCh37 (hg19) VCF-style: chr4-517535-C-A.
Other names: c.1635C>A, p.Asp545Glu (NM_001289051.2, NM_001345986.2); c.1503C>A, p.Asp501Glu (NM_001289052.2); c.1611C>A, p.Asp537Glu (NM_001345987.2); c.873C>A, p.Asp291Glu (NM_001345988.2); c.369C>A, p.Asp123Glu (NM_001345990.2, NM_001345991.2); c.804C>A, p.Asp268Glu (NM_001345994.2); c.1878C>A, p.Asp626Glu (NM_017733.5); short protein forms D123E, D501E, D537E, D545E, D634E, D626E, D268E, D291E.
Identifiers: ClinVar variation 2131116 (VCV002131116.4), dbSNP rs2474935338, ClinGen allele CA355907540.

ClinVar aggregate classification (germline): Uncertain significance (1 of 4 stars; one submission).

Conditions:
Intellectual disability, autosomal recessive 53 (NEDHSCA). Also called: GLYCOSYLPHOSPHATIDYLINOSITOL BIOSYNTHESIS DEFECT 13; Mental retardation, autosomal recessive 53; NEURODEVELOPMENTAL DISORDER WITH OR WITHOUT HYPOTONIA, SEIZURES, AND CEREBELLAR ATROPHY. Identifiers: Orphanet 488635, MedGen C4310794, MONDO:0014832, OMIM 616917.

Submission:

Labcorp Genetics (formerly Invitae), Labcorp
Classification: Uncertain significance for Intellectual disability, autosomal recessive 53. Last evaluated: 2022-04-28. Review status: criteria provided, single submitter. Criteria: Invitae Variant Classification Sherloc (09022015). Collection method: clinical testing. Allele origin: germline.
Comment: In summary, the available evidence is currently insufficient to determine the role of this variant in disease. Therefore, it has been classified as a Variant of Uncertain Significance. Algorithms developed to predict the effect of missense changes on protein structure and function (SIFT, PolyPhen-2, Align-GVGD) all suggest that this variant is likely to be tolerated. This variant has not been reported in the literature in individuals affected with PIGG-related conditions. This variant is not present in population databases (gnomAD no frequency). This sequence change replaces aspartic acid, which is acidic and polar, with glutamic acid, which is acidic and polar, at codon 634 of the PIGG protein (p.Asp634Glu).